The following is an entry in ClinVar:

ClinVar aggregate classification (germline): Uncertain significance. Review status: criteria provided, multiple submitters, no conflicts (2 of 4 stars). 2 submissions from 2 submitters: Uncertain significance (2). Last evaluated 2022-03-23.

Conditions:
Autosomal recessive mendelian susceptibility to mycobacterial diseases due to complete RORgamma receptor deficiency. Also called: Immunodeficiency 42. Identifiers: Orphanet 477857, MedGen C5567647, MONDO:0014710, OMIM 616622.

Allele frequency attached by ClinVar (database versions not stated): gnomAD exomes below 0.00001; TOPMed 0.00001.
gnomAD v4.1: 3 of 1,614,232 alleles (0.00019%); highest among the groups gnomAD compares: Non-Finnish European, 0.00025%; no homozygotes.

Submissions (2):

Fulgent Genetics
Classification: Uncertain significance for Autosomal recessive mendelian susceptibility to mycobacterial diseases due to complete RORgamma receptor deficiency. Last evaluated: 2022-03-23. Review status: criteria provided, single submitter. Criteria: ACMG Guidelines, 2015. Collection method: clinical testing. Allele origin: unknown.

Labcorp Genetics (formerly Invitae), Labcorp
Classification: Uncertain significance for Autosomal recessive mendelian susceptibility to mycobacterial diseases due to complete RORgamma receptor deficiency. Last evaluated: 2020-02-27. Review status: criteria provided, single submitter. Criteria: Invitae Variant Classification Sherloc (09022015). Collection method: clinical testing. Allele origin: germline.
Comment: This sequence change results in a premature translational stop signal in the RORC gene (p.Ser512*). While this is not anticipated to result in nonsense mediated decay, it is expected to disrupt the last 7 amino acids of the RORC protein. This variant is not present in population databases (ExAC no frequency). This variant has not been reported in the literature in individuals with RORC-related conditions. Experimental studies and prediction algorithms are not available or were not evaluated, and the functional significance of this variant is currently unknown. In summary, the available evidence is currently insufficient to determine the role of this variant in disease. Therefore, it has been classified as a Variant of Uncertain Significance.

NM_005060.4(RORC):c.1535C>G (p.Ser512Ter)

Gene: RORC (RAR related orphan receptor C; minus strand). Cytogenetic location: 1q21.3.
Variant type: single nucleotide variant.
Coding change: c.1535C>G on transcript NM_005060.4 (MANE Select); coding-DNA position 1535, C replaced by G.
Protein change: p.Ser512Ter; replaces serine 512 with a stop codon.
Molecular consequence: nonsense.
Genome position (GRCh38, 1-based): chr1:151,807,494, G>C on the plus strand (C>G on the coding strand, the complement: RORC is on the minus strand). VCF-style: chr1-151807494-G-C. GRCh37 (hg19) VCF-style: chr1-151779970-G-C.
Other names: c.1472C>G, p.Ser491Ter (NM_001001523.2); short protein forms S512*, S491*.
Identifiers: ClinVar variation 1028332 (VCV001028332.7), dbSNP rs1420634082, ClinGen allele CA342007605.